The following is an entry in ClinVar:

NM_014762.4(DHCR24):c.1026T>C (p.Ile342=)

Gene: DHCR24 (24-dehydrocholesterol reductase; minus strand). Cytogenetic location: 1p32.3.
Variant type: single nucleotide variant.
Coding change: c.1026T>C on transcript NM_014762.4 (MANE Select); coding-DNA position 1026, T replaced by C.
Protein change: p.Ile342=; no amino-acid change (isoleucine 342 retained).
Molecular consequence: synonymous variant.
Genome position (GRCh38, 1-based): chr1:54,854,229, A>G on the plus strand (T>C on the coding strand, the complement: DHCR24 is on the minus strand). VCF-style: chr1-54854229-A-G. GRCh37 (hg19) VCF-style: chr1-55319902-A-G.
Identifiers: ClinVar variation 297654 (VCV000297654.20), dbSNP rs718265, ClinGen allele CA870645.

ClinVar aggregate classification (germline): Benign. Review status: criteria provided, multiple submitters, no conflicts (2 of 4 stars). 6 submissions from 6 submitters: Benign (6). Last evaluated 2026-02-04.

Conditions:
Desmosterolosis. Identifiers: Orphanet 35107, MedGen C1865596, MONDO:0011217, OMIM 602398.

Allele frequency attached by ClinVar (database versions not stated): 1000 Genomes Project 0.62760; 1000 Genomes Project 30x 0.62883; TOPMed 0.63943; gnomAD exomes 0.66204 and 0.69138; gnomAD 0.66290 and 0.66440; ExAC 0.66506; ESP Exome Variant Server 0.66615.
gnomAD v4.1: 1,109,506 of 1,612,104 alleles (69%); highest among the groups gnomAD compares: South Asian, 80%; 385,062 homozygotes.

Submissions (6):

Labcorp Genetics (formerly Invitae), Labcorp
Classification: Benign. Last evaluated: 2026-02-04. Review status: criteria provided, single submitter. Criteria: Invitae Variant Classification Sherloc (09022015). Collection method: clinical testing. Allele origin: germline.

Blueprint Genetics
Classification: Benign. Last evaluated: 2024-11-26. Review status: criteria provided, single submitter. Criteria: ACMG Guidelines, 2015. Collection method: clinical testing. Allele origin: germline.

Genome-Nilou Lab
Classification: Benign for Desmosterolosis. Last evaluated: 2021-07-30. Review status: criteria provided, single submitter. Criteria: ACMG Guidelines, 2015. Collection method: clinical testing. Allele origin: germline. Affected: no.

GeneDx
Classification: Benign. Last evaluated: 2018-11-10. Review status: criteria provided, single submitter. Criteria: GeneDx Variant Classification Process June 2021. Collection method: clinical testing. Allele origin: germline. Affected: yes.

Illumina Laboratory Services, Illumina
Classification: Benign for Desmosterolosis. Last evaluated: 2018-01-13. Review status: criteria provided, single submitter. Criteria: ICSL Variant Classification Criteria 13 December 2019. Collection method: clinical testing. Allele origin: germline.
Comment: This variant was observed in the ICSL laboratory as part of a predisposition screen in an ostensibly healthy population. It had not been previously curated by ICSL or reported in the Human Gene Mutation Database (HGMD: prior to June 1st, 2018), and was therefore a candidate for classification through an automated scoring system. Utilizing variant allele frequency, disease prevalence and penetrance estimates, and inheritance mode, an automated score was calculated to assess if this variant is too frequent to cause the disease. Based on the score and internal cut-off values, a variant classified as benign is not then subjected to further curation. The score for this variant resulted in a classification of benign for this disease.

Breakthrough Genomics
Classification: Benign. Review status: criteria provided, single submitter. Criteria: ACMG Guidelines, 2015. Collection method: not provided. Allele origin: germline. Inheritance: Autosomal recessive inheritance. Affected: yes.